The following is an entry in ClinVar:

NM_006431.3(CCT2):c.79A>G (p.Thr27Ala)

Gene: CCT2 (chaperonin containing TCP1 subunit 2; plus strand). Cytogenetic location: 12q15.
Variant type: single nucleotide variant.
Coding change: c.79A>G on transcript NM_006431.3 (MANE Select); coding-DNA position 79, A replaced by G.
Protein change: p.Thr27Ala; replaces threonine 27 with alanine.
Molecular consequence: missense variant. On other transcripts: 5 prime UTR variant (1).
Genome position (GRCh38, 1-based): chr12:69,586,753, A>G. VCF-style: chr12-69586753-A-G. GRCh37 (hg19) VCF-style: chr12-69980533-A-G.
Other names: c.-63A>G (NM_001198842.2); short protein forms T27A.
Identifiers: ClinVar variation 3684417 (VCV003684417.2).
Genomic context (GRCh38, chr12:69,586,753, plus strand): 5'-TAAAACTGTACTTGAAGACTGTAAAGTTGATTCTGATAATCTCCTTGGTTTTTACTCCAG[A>G]CTTCTTTTATTGGTGCCATCGCCATTGGAGACTTGGTAAAGAGCACCTTGGGACCCAAAG-3'
Protein context (NP_006422.1, residues 17-37): DEERAETARL[Thr27Ala]SFIGAIAIGD

ClinVar aggregate classification (germline): Uncertain significance (1 of 4 stars; one submission).

gnomAD v4.1: 3 of 1,594,934 alleles (0.00019%); highest among the groups gnomAD compares: Non-Finnish European, 0.00026%; no homozygotes.

Submission:

Labcorp Genetics (formerly Invitae), Labcorp
Classification: Uncertain significance. Last evaluated: 2024-03-07. Review status: criteria provided, single submitter. Criteria: Invitae Variant Classification Sherloc (09022015). Collection method: clinical testing. Allele origin: germline.
Comment: This sequence change replaces threonine, which is neutral and polar, with alanine, which is neutral and non-polar, at codon 27 of the CCT2 protein (p.Thr27Ala). This variant is not present in population databases (gnomAD no frequency). This variant has not been reported in the literature in individuals affected with CCT2-related conditions. An algorithm developed to predict the effect of missense changes on protein structure and function (PolyPhen-2) suggests that this variant is likely to be tolerated. In summary, the available evidence is currently insufficient to determine the role of this variant in disease. Therefore, it has been classified as a Variant of Uncertain Significance.